The following is an entry in ClinVar:

ClinVar aggregate classification (germline): Uncertain significance (1 of 4 stars; one submission).

Conditions:
Cardiovascular phenotype. Identifiers: MedGen CN230736.

Submission:

Ambry Genetics
Classification: Uncertain significance for Cardiovascular phenotype. Last evaluated: 2026-01-02. Review status: criteria provided, single submitter. Criteria: Ambry Variant Classification Scheme 2023. Collection method: clinical testing. Allele origin: germline.
Comment: The p.F2954I variant (also known as c.8860T>A), located in coding exon 61 of the RYR2 gene, results from a T to A substitution at nucleotide position 8860. The phenylalanine at codon 2954 is replaced by isoleucine, an amino acid with highly similar properties. This amino acid position is conserved. In addition, this alteration is predicted to be tolerated by in silico analysis. Based on the available evidence, the clinical significance of this variant remains unclear.

NM_001035.3(RYR2):c.8860T>A (p.Phe2954Ile)

Gene: RYR2 (ryanodine receptor 2; plus strand). Cytogenetic location: 1q43.
Variant type: single nucleotide variant.
Coding change: c.8860T>A on transcript NM_001035.3 (MANE Select); coding-DNA position 8860, T replaced by A.
Protein change: p.Phe2954Ile; replaces phenylalanine 2954 with isoleucine.
Molecular consequence: missense variant.
Genome position (GRCh38, 1-based): chr1:237,678,077, T>A. VCF-style: chr1-237678077-T-A. GRCh37 (hg19) VCF-style: chr1-237841377-T-A.
Other names: short protein forms F2954I.
Identifiers: ClinVar variation 4843937 (VCV004843937.1).